The following is an entry in ClinVar:

ClinVar aggregate classification (germline): Likely benign. Review status: criteria provided, multiple submitters, no conflicts (2 of 4 stars). 2 submissions from 2 submitters: Likely benign (2). Last evaluated 2025-01-01.

Conditions:
Pitt-Hopkins-like syndrome 2 (PTHSL2). Identifiers: Orphanet 221150, Orphanet 600663, MedGen C3280479, MONDO:0013690, OMIM 614325.

Allele frequency attached by ClinVar (database versions not stated): TOPMed below 0.00001; ExAC 0.00001; gnomAD 0.00001.
gnomAD v4.1: 15 of 1,613,792 alleles (0.00093%); highest among the groups gnomAD compares: Non-Finnish European, 0.0013%; no homozygotes.

Submissions (2):

CeGaT Center for Human Genetics Tuebingen
Classification: Likely benign. Last evaluated: 2025-01-01. Review status: criteria provided, single submitter. Criteria: CeGaT Center For Human Genetics Tuebingen Variant Classification Criteria Version 2. Collection method: clinical testing. Allele origin: germline. Affected: yes. Observed: 1 variant allele.
Comment: NRXN1: BP4

Labcorp Genetics (formerly Invitae), Labcorp
Classification: Likely benign for Pitt-Hopkins-like syndrome 2. Last evaluated: 2023-12-07. Review status: criteria provided, single submitter. Criteria: Invitae Variant Classification Sherloc (09022015). Collection method: clinical testing. Allele origin: germline.

NM_001330078.2(NRXN1):c.2589C>G (p.Ser863=)

Gene: NRXN1 (neurexin 1; minus strand). Cytogenetic location: 2p16.3.
Variant type: single nucleotide variant.
Coding change: c.2589C>G on transcript NM_001330078.2 (MANE Select); coding-DNA position 2589, C replaced by G.
Protein change: p.Ser863=; no amino-acid change (serine 863 retained).
Molecular consequence: synonymous variant.
Genome position (GRCh38, 1-based): chr2:50,497,623, G>C on the plus strand (C>G on the coding strand, the complement: NRXN1 is on the minus strand). VCF-style: chr2-50497623-G-C. GRCh37 (hg19) VCF-style: chr2-50724761-G-C.
Other names: c.2709C>G, p.Ser903= (NM_001135659.3); c.2565C>G, p.Ser855= (NM_001330077.2, NM_001330082.2); c.2523C>G, p.Ser841= (NM_001330083.2, NM_001330084.2); c.2562C>G, p.Ser854= (NM_001330085.2); c.2589C>G, p.Ser863= (NM_001330086.2, NM_004801.6); c.2478C>G, p.Ser826= (NM_001330087.2, NM_001330096.2); c.2508C>G, p.Ser836= (NM_001330088.2); c.2586C>G, p.Ser862= (NM_001330093.2); and 2 more.
Identifiers: ClinVar variation 2022829 (VCV002022829.17), dbSNP rs770970511, ClinGen allele CA1654760.